The following is an entry in ClinVar:

ClinVar aggregate classification (germline): Uncertain significance (1 of 4 stars; one submission).

Conditions:
ACTG1-related disorder. Also called: ACTG1-related disorders; ACTG1-related condition.

Submission:

PreventionGenetics, part of Exact Sciences
Classification: Uncertain significance for ACTG1-related condition. Last evaluated: 2026-08-22. Review status: criteria provided, single submitter. Criteria: ACMG Guidelines, 2015. Collection method: clinical testing. Allele origin: germline.
Comment: The ACTG1 c.1008G>C variant is predicted to result in the amino acid substitution p.Lys336Asn. To our knowledge, this variant has not been reported in the literature or in a large population database (gnomAD), indicating this variant is rare. At this time, the clinical significance of this variant is uncertain due to the absence of conclusive functional and genetic evidence.

NM_001614.5(ACTG1):c.1008G>C (p.Lys336Asn)

Gene: ACTG1 (actin gamma 1; minus strand). Cytogenetic location: 17q25.3.
Variant type: single nucleotide variant.
Coding change: c.1008G>C on transcript NM_001614.5 (MANE Select); coding-DNA position 1008, G replaced by C.
Protein change: p.Lys336Asn; replaces lysine 336 with asparagine.
Molecular consequence: missense variant. On other transcripts: non-coding transcript variant (1).
Genome position (GRCh38, 1-based): chr17:81,510,810, C>G on the plus strand (G>C on the coding strand, the complement: ACTG1 is on the minus strand). VCF-style: chr17-81510810-C-G. GRCh37 (hg19) VCF-style: chr17-79477836-C-G.
Other names: c.1008G>C, p.Lys336Asn (NM_001199954.3); short protein forms K336N.
Identifiers: ClinVar variation 4996270 (VCV004996270.1).